The following is an entry in ClinVar:

NM_006348.5(COG5):c.237del (p.Val80fs)

Gene: COG5 (component of oligomeric golgi complex 5; minus strand). Cytogenetic location: 7q22.3.
Variant type: Deletion.
Coding change: c.237del on transcript NM_006348.5 (MANE Select); coding-DNA position 237, one base deleted (T; older notation c.237delT).
Protein change: p.Val80fs; shifts the reading frame from valine 80.
Molecular consequence: frameshift variant. On other transcripts: intron variant (1).
Genome position (GRCh38, 1-based): chr7:107,554,340, A deleted on the plus strand (T on the coding strand, the reverse complement: COG5 is on the minus strand); the first of 2 consecutive A bases (chr7:107,554,340-107,554,341); deleting either gives the same sequence. VCF-style (leftmost placement, unchanged base first): chr7-107554339-CA-C. GRCh37 (hg19) VCF-style: chr7-107194784-CA-C.
Other names: c.237del, p.Val80fs (NM_001161520.2, NM_001379511.1, NM_001379512.1 and 4 more transcripts); c.234+3636del (NM_001379516.1); short protein forms V80fs.
Identifiers: ClinVar variation 932931 (VCV000932931.3), dbSNP rs1330009938, ClinGen allele CA577017477.

ClinVar aggregate classification (germline): Likely pathogenic. Review status: criteria provided, single submitter (1 of 4 stars). 2 submissions from 2 submitters: Likely pathogenic (1). 1 of the submissions does not count toward it.

Conditions:
COG5-congenital disorder of glycosylation. Also called: CONGENITAL DISORDER OF GLYCOSYLATION, TYPE IIi; CDG IIi; COG5-CDG. Identifiers: Orphanet 263487, MedGen C3150876, MONDO:0013325, OMIM 613612.

Submissions (2):

Juno Genomics, Hangzhou Juno Genomics, Inc
Classification: Likely pathogenic for COG5-congenital disorder of glycosylation. Review status: criteria provided, single submitter. Criteria: ACMG Guidelines, 2015. Collection method: clinical testing. Allele origin: germline.
Comment: Absent from controls (or at extremely low frequency if recessive) in Genome Aggregation Database.;Null variant in a gene where loss of function (LOF) is a known mechanism of disease.

OMIM
Classification: Pathogenic for CONGENITAL DISORDER OF GLYCOSYLATION, TYPE IIi. Last evaluated: 2020-07-07. Review status: no assertion criteria provided. Collection method: literature only. Allele origin: germline. Not counted in ClinVar's aggregate classification.

Literature cited by the submitters: PubMed 31572517 (cited by OMIM).